The following is an entry in ClinVar:

ClinVar aggregate classification (germline): Uncertain significance (1 of 4 stars; one submission).

Conditions:
Hereditary cancer-predisposing syndrome. Also called: Tumor predisposition; Hereditary Cancer Syndrome; Neoplastic Syndromes, Hereditary; Hereditary neoplastic syndrome. Identifiers: Orphanet 140162, MedGen C0027672, MeSH D009386, MONDO:0015356.

Submission:

Color Diagnostics, LLC DBA Color Health
Classification: Uncertain significance for Hereditary cancer-predisposing syndrome. Last evaluated: 2025-10-01. Review status: criteria provided, single submitter. Criteria: ACMG Guidelines, 2015. Collection method: clinical testing. Allele origin: germline.
Comment: This missense variant replaces asparagine with serine at codon 405 of the ATM protein. Computational prediction suggests that this variant may not impact protein structure and function. To our knowledge, functional studies have not been reported for this variant. This variant has not been reported in individuals affected with ATM-related disorders in the literature. This variant has not been identified in the general population by the Genome Aggregation Database (gnomAD). The available evidence is insufficient to determine the role of this variant in disease conclusively. Therefore, this variant is classified as a Variant of Uncertain Significance.

NM_000051.4(ATM):c.1214A>G (p.Asn405Ser)

Gene: ATM (ATM serine/threonine kinase; plus strand). Cytogenetic location: 11q22.3.
Variant type: single nucleotide variant.
Coding change: c.1214A>G on transcript NM_000051.4 (MANE Select); coding-DNA position 1214, A replaced by G.
Protein change: p.Asn405Ser; replaces asparagine 405 with serine.
Molecular consequence: missense variant.
Genome position (GRCh38, 1-based): chr11:108,249,081, A>G. VCF-style: chr11-108249081-A-G. GRCh37 (hg19) VCF-style: chr11-108119808-A-G.
Other names: c.1214A>G, p.Asn405Ser (NM_001351834.2); short protein forms N405S.
Identifiers: ClinVar variation 4758090 (VCV004758090.1).
Genomic context (GRCh38, chr11:108,249,081, plus strand): 5'-AAAGGAAGAAAATAGAACTAGGCTGGGAAGTAATAAAAGATCACCTTCAGAAGTCACAGA[A>G]TGATTTTGATCTTGTGCCTTGGTAAAGTGTTACCATTTTCTCATTCAGTGTCATTTTAAT-3'
Protein context (NP_000042.3, residues 395-415): VIKDHLQKSQ[Asn405Ser]DFDLVPWLQI